The following is an entry in ClinVar:

NM_052947.4(ALPK2):c.5175G>C (p.Glu1725Asp)

Genes: ALPK2 (alpha kinase 2; minus strand), LOC130062577 (ATAC-STARR-seq lymphoblastoid active region 13389; plus strand). Cytogenetic location: 18q21.31.
Variant type: single nucleotide variant.
Coding change: c.5175G>C on transcript NM_052947.4 (MANE Select); coding-DNA position 5175, G replaced by C.
Protein change: p.Glu1725Asp; replaces glutamic acid 1725 with aspartic acid.
Molecular consequence: missense variant.
Genome position (GRCh38, 1-based): chr18:58,535,012, C>G on the plus strand (G>C on the coding strand, the complement: ALPK2 is on the minus strand). VCF-style: chr18-58535012-C-G. GRCh37 (hg19) VCF-style: chr18-56202244-C-G.
Other names: short protein forms E1725D.
Identifiers: ClinVar variation 3532000 (VCV003532000.1).

ClinVar aggregate classification (germline): Uncertain significance (1 of 4 stars; one submission).

gnomAD v4.1: 1 of 1,614,166 alleles (0.000062%); highest among the groups gnomAD compares: Non-Finnish European, 0.000085%; no homozygotes.

Submission:

Ambry Genetics
Classification: Uncertain significance. Last evaluated: 2024-11-10. Review status: criteria provided, single submitter. Criteria: Ambry Variant Classification Scheme 2023. Collection method: clinical testing. Allele origin: germline.
Comment: The p.E1725D variant (also known as c.5175G>C), located in coding exon 4 of the ALPK2 gene, results from a G to C substitution at nucleotide position 5175. The glutamic acid at codon 1725 is replaced by aspartic acid, an amino acid with highly similar properties. This amino acid position is conserved. In addition, this alteration is predicted to be tolerated by in silico analysis. Based on the available evidence, the clinical significance of this variant remains unclear.